The following is an entry in ClinVar:

NM_001111.5(ADAR):c.2945A>C (p.Glu982Ala)

Gene: ADAR (adenosine deaminase RNA specific; minus strand). Cytogenetic location: 1q21.3.
Variant type: single nucleotide variant.
Coding change: c.2945A>C on transcript NM_001111.5 (MANE Select); coding-DNA position 2945, A replaced by C.
Protein change: p.Glu982Ala; replaces glutamic acid 982 with alanine.
Molecular consequence: missense variant.
Genome position (GRCh38, 1-based): chr1:154,588,199, T>G on the plus strand (A>C on the coding strand, the complement: ADAR is on the minus strand). VCF-style: chr1-154588199-T-G. GRCh37 (hg19) VCF-style: chr1-154560675-T-G.
Other names: c.2060A>C, p.Glu687Ala (NM_001025107.3, NM_001193495.2, NM_001365046.1 and 2 more transcripts); c.2972A>C, p.Glu991Ala (NM_001365045.1); c.1982A>C, p.Glu661Ala (NM_001365049.1); c.2867A>C, p.Glu956Ala (NM_015840.4); c.2810A>C, p.Glu937Ala (NM_015841.4); short protein forms E687A, E661A, E956A, E982A, E991A, E937A.
Identifiers: ClinVar variation 2943873 (VCV002943873.3), dbSNP rs983707706, ClinGen allele CA30851421.
Genomic context (GRCh38, chr1:154,588,199, plus strand): 5'-GTGCGGAGCTTTCCTTGTTTGGGATTCTCGAAGACAGGGTAGTGGCGGGATTCTGTGCTT[T>G]CCATAGCACGGTCGCTGCAGGACTTGTCAAAGAGGGCGCCATCTCCACACGGAGCAGTGC-3'
Protein context (NP_001102.3, residues 972-992): FDKSCSDRAM[Glu982Ala]STESRHYPVF

ClinVar aggregate classification (germline): Uncertain significance (1 of 4 stars; one submission).

Conditions:
Symmetrical dyschromatosis of extremities (DSH). Also called: DYSCHROMATOSIS SYMMETRICA HEREDITARIA 1; RETICULATE ACROPIGMENTATION OF DOHI; SYMMETRIC DYSCHROMATOSIS OF THE EXTREMITIES; Dyschromatosis symmetrica hereditaria. Identifiers: Orphanet 41, MedGen C0406775, MONDO:0007483, OMIM 127400.
Aicardi-Goutieres syndrome 6 (AGS6). Identifiers: Orphanet 51, MedGen C3539013, MONDO:0014007, OMIM 615010.

Allele frequency attached by ClinVar (database versions not stated): gnomAD exomes below 0.00001; TOPMed below 0.00001; gnomAD 0.00001.
gnomAD v4.1: 2 of 1,613,954 alleles (0.00012%); highest among the groups gnomAD compares: African/African-American, 0.0027%; no homozygotes.

Submission:

Labcorp Genetics (formerly Invitae), Labcorp
Classification: Uncertain significance for Aicardi-Goutieres syndrome 6; Symmetrical dyschromatosis of extremities. Last evaluated: 2024-01-26. Review status: criteria provided, single submitter. Criteria: Invitae Variant Classification Sherloc (09022015). Collection method: clinical testing. Allele origin: germline.
Comment: This sequence change replaces glutamic acid, which is acidic and polar, with alanine, which is neutral and non-polar, at codon 982 of the ADAR protein (p.Glu982Ala). This variant is not present in population databases (gnomAD no frequency). This variant has not been reported in the literature in individuals affected with ADAR-related conditions. Advanced modeling of protein sequence and biophysical properties (such as structural, functional, and spatial information, amino acid conservation, physicochemical variation, residue mobility, and thermodynamic stability) performed at Invitae indicates that this missense variant is not expected to disrupt ADAR protein function with a negative predictive value of 80%. In summary, the available evidence is currently insufficient to determine the role of this variant in disease. Therefore, it has been classified as a Variant of Uncertain Significance.